The following is an entry in ClinVar:

NM_004370.6(COL12A1):c.535G>C (p.Val179Leu)

Gene: COL12A1 (collagen type XII alpha 1 chain; minus strand). Cytogenetic location: 6q13.
Variant type: single nucleotide variant.
Coding change: c.535G>C on transcript NM_004370.6 (MANE Select); coding-DNA position 535, G replaced by C.
Protein change: p.Val179Leu; replaces valine 179 with leucine.
Molecular consequence: missense variant. On other transcripts: intron variant (2).
Genome position (GRCh38, 1-based): chr6:75,189,675, C>G on the plus strand (G>C on the coding strand, the complement: COL12A1 is on the minus strand). VCF-style: chr6-75189675-C-G. GRCh37 (hg19) VCF-style: chr6-75899391-C-G.
Other names: c.535G>C, p.Val179Leu (NM_001424113.1, NM_001424114.1, NM_001424115.1); c.73+13045G>C (NM_001424116.1, NM_080645.3); short protein forms V179L.
Identifiers: ClinVar variation 3753371 (VCV003753371.2).

ClinVar aggregate classification (germline): Uncertain significance (1 of 4 stars; one submission).

Conditions:
Ullrich congenital muscular dystrophy 2 (UCMD2). Identifiers: Orphanet 75840, MedGen C4225314, MONDO:0014654, OMIM 616470.
Bethlem myopathy 2 (BTHLM2). Identifiers: Orphanet 536516, Orphanet 610, MedGen C4225313, MONDO:0034022, OMIM 616471.

gnomAD v4.1: 1 of 1,613,426 alleles (0.000062%); no homozygotes.

Submission:

Labcorp Genetics (formerly Invitae), Labcorp
Classification: Uncertain significance for Bethlem myopathy 2; Ullrich congenital muscular dystrophy 2. Last evaluated: 2024-06-04. Review status: criteria provided, single submitter. Criteria: Invitae Variant Classification Sherloc (09022015). Collection method: clinical testing. Allele origin: germline.
Comment: This sequence change replaces valine, which is neutral and non-polar, with leucine, which is neutral and non-polar, at codon 179 of the COL12A1 protein (p.Val179Leu). This variant is not present in population databases (gnomAD no frequency). This variant has not been reported in the literature in individuals affected with COL12A1-related conditions. Advanced modeling of protein sequence and biophysical properties (such as structural, functional, and spatial information, amino acid conservation, physicochemical variation, residue mobility, and thermodynamic stability) performed at Invitae indicates that this missense variant is not expected to disrupt COL12A1 protein function with a negative predictive value of 80%. In summary, the available evidence is currently insufficient to determine the role of this variant in disease. Therefore, it has been classified as a Variant of Uncertain Significance.